The following is an entry in ClinVar:

ClinVar aggregate classification (germline): Uncertain significance (1 of 4 stars; one submission).

Conditions:
Cutis laxa, autosomal recessive, type 1B (ARCL1B). Also called: EFEMP2-Related Cutis Laxa; CUTIS LAXA, AUTOSOMAL RECESSIVE, TYPE IB. Identifiers: Orphanet 90349, MedGen C3280798, MONDO:0013754, OMIM 614437. Disease mechanism: loss of function.

Submission:

Labcorp Genetics (formerly Invitae), Labcorp
Classification: Uncertain significance for Cutis laxa, autosomal recessive, type 1B. Last evaluated: 2024-02-06. Review status: criteria provided, single submitter. Criteria: Invitae Variant Classification Sherloc (09022015). Collection method: clinical testing. Allele origin: germline.
Comment: This variant, c.778_780del, results in the deletion of 1 amino acid(s) of the EFEMP2 protein (p.Asn260del), but otherwise preserves the integrity of the reading frame. This variant is not present in population databases (gnomAD no frequency). This variant has not been reported in the literature in individuals affected with EFEMP2-related conditions. Experimental studies and prediction algorithms are not available or were not evaluated, and the functional significance of this variant is currently unknown. In summary, the available evidence is currently insufficient to determine the role of this variant in disease. Therefore, it has been classified as a Variant of Uncertain Significance.

NM_016938.5(EFEMP2):c.778_780del (p.Asn260del)

Gene: EFEMP2 (EGF-like fibulin extracellular matrix protein 2; minus strand). Cytogenetic location: 11q13.1.
Variant type: Deletion.
Coding change: c.778_780del on transcript NM_016938.5 (MANE Select); coding-DNA positions 778 to 780, 3 bases deleted (AAC; older notation c.778_780delAAC).
Protein change: p.Asn260del; deletes asparagine 260.
Molecular consequence: inframe deletion. On other transcripts: non-coding transcript variant (1).
Genome position (GRCh38, 1-based): chr11:65,868,577-65,868,579, GTT deleted on the plus strand (AAC on the coding strand, the reverse complement: EFEMP2 is on the minus strand); deleting any 3 consecutive bases within chr11:65,868,577-65,868,580 gives the same sequence; the c. name uses the placement nearest the transcript's 3' end. VCF-style (leftmost placement, unchanged base first): chr11-65868576-CGTT-C. GRCh37 (hg19) VCF-style: chr11-65636047-CGTT-C.
Other names: short protein forms N260del.
Identifiers: ClinVar variation 2998971 (VCV002998971.3), dbSNP rs2495574803, ClinGen allele CA2740093067.
Genomic context (GRCh38, chr11:65,868,576, plus strand): 5'-AGAGGCGTGTGGCCAGCAGCTGGTAACCCTGTGGGCAGTGGCAGGAGAAACGGCCTGGCT[CGTT>C]GATGCAGCGGTACTGACAGAGGTAGCTGGAGTAGCTACACTCATCAATATCTGAGGAAGC-3'